The following is an entry in ClinVar:

ClinVar aggregate classification (germline): Likely benign. Review status: reviewed by expert panel (3 of 4 stars). 5 submissions from 5 submitters: Likely benign (1). 4 of the submissions do not count toward it. Last evaluated 2017-06-29.

Conditions:
Hereditary cancer-predisposing syndrome. Also called: Tumor predisposition; Hereditary Cancer Syndrome; Hereditary neoplastic syndrome; Neoplastic Syndromes, Hereditary. Identifiers: Orphanet 140162, MedGen C0027672, MeSH D009386, MONDO:0015356.
Hereditary breast ovarian cancer syndrome. Also called: Breast and ovarian cancer; Hereditary breast and ovarian cancer syndrome; Hereditary breast and ovarian cancer; BRCA1- and BRCA2-Associated Hereditary Breast and Ovarian Cancer; Hereditary breast and ovarian cancer syndrome (HBOC); Hereditary breast and/or ovarian cancer syndrome. Identifiers: Orphanet 145, MedGen C0677776, MeSH D061325, MONDO:0003582. Disease mechanism: loss of function.
Breast-ovarian cancer, familial, susceptibility to, 2 (BROVCA2). Also called: BRCA2 Hereditary Breast and Ovarian Cancer. Identifiers: Orphanet 145, MedGen C2675520, MONDO:0012933, OMIM 612555. Disease mechanism: loss of function.

Allele frequency attached by ClinVar (database versions not stated): gnomAD exomes 0.00001.
gnomAD v4.1: 3 of 1,614,194 alleles (0.00019%); highest among the groups gnomAD compares: Non-Finnish European, 0.00025%; no homozygotes.

Submissions (5):

Evidence-based Network for the Interpretation of Germline Mutant Alleles (ENIGMA)
Classification: Likely benign for Breast-ovarian cancer, familial, susceptibility to, 2. Last evaluated: 2017-06-29. Review status: reviewed by expert panel. Criteria: ENIGMA BRCA1/2 Classification Criteria (2017-06-29). Collection method: curation. Allele origin: germline.
Comment: Synonymous substitution variant, with low bioinformatic likelihood to result in a splicing aberration (Splicing prior probability 0.02).

Labcorp Genetics (formerly Invitae), Labcorp
Classification: Likely benign for Hereditary breast ovarian cancer syndrome. Last evaluated: 2025-12-08. Review status: criteria provided, single submitter. Criteria: Invitae Variant Classification Sherloc (09022015). Collection method: clinical testing. Allele origin: germline. Not counted in ClinVar's aggregate classification.

All of Us Research Program, National Institutes of Health
Classification: Likely benign for Breast-ovarian cancer, familial, susceptibility to, 2. Last evaluated: 2023-12-01. Review status: criteria provided, single submitter. Criteria: ACMG Guidelines, 2015. Collection method: clinical testing. Allele origin: germline. Inheritance: Autosomal dominant inheritance. Observed: 2 variant alleles, 2 heterozygotes. Not counted in ClinVar's aggregate classification.
Comment: This study involves interpretation of variants in research participants for the purpose of population health screening. Participant phenotype was not available at the time of variant classification. Additional details can be found in publication PMID: 35346344, PMCID: PMC8962531

Color Diagnostics, LLC DBA Color Health
Classification: Likely benign for Hereditary cancer-predisposing syndrome. Last evaluated: 2018-11-30. Review status: criteria provided, single submitter. Criteria: ACMG Guidelines, 2015. Collection method: clinical testing. Allele origin: germline. Not counted in ClinVar's aggregate classification.

Ambry Genetics
Classification: Likely benign for Hereditary cancer-predisposing syndrome. Last evaluated: 2014-08-29. Review status: criteria provided, single submitter. Criteria: Ambry Variant Classification Scheme 2023. Collection method: clinical testing. Allele origin: germline. Not counted in ClinVar's aggregate classification.

NM_000059.4(BRCA2):c.8166A>C (p.Thr2722=)

Gene: BRCA2 (BRCA2 DNA repair associated; plus strand). Cytogenetic location: 13q13.1.
Variant type: single nucleotide variant.
Coding change: c.8166A>C on transcript NM_000059.4 (MANE Select); coding-DNA position 8166, A replaced by C.
Protein change: p.Thr2722=; no amino-acid change (threonine 2722 retained).
Molecular consequence: synonymous variant.
Genome position (GRCh38, 1-based): chr13:32,363,368, A>C. VCF-style: chr13-32363368-A-C. GRCh37 (hg19) VCF-style: chr13-32937505-A-C.
Identifiers: ClinVar variation 184718 (VCV000184718.19), dbSNP rs786201640, ClinGen allele CA025481.